The following is an entry in ClinVar:

NM_003859.3(DPM1):c.617G>C (p.Gly206Ala)

Genes: ADNP-AS1 (ADNP antisense RNA 1; plus strand), DPM1 (dolichyl-phosphate mannosyltransferase subunit 1, catalytic; minus strand). Cytogenetic location: 20q13.13.
Variant type: single nucleotide variant.
Coding change: c.617G>C on transcript NM_003859.3 (MANE Select); coding-DNA position 617, G replaced by C.
Protein change: p.Gly206Ala; replaces glycine 206 with alanine.
Molecular consequence: missense variant. On other transcripts: non-coding transcript variant (1).
Genome position (GRCh38, 1-based): chr20:50,936,209, C>G on the plus strand (G>C on the coding strand, the complement: DPM1 is on the minus strand). VCF-style: chr20-50936209-C-G. GRCh37 (hg19) VCF-style: chr20-49552746-C-G.
Other names: c.722G>C, p.Gly241Ala (NM_001317034.1); c.698G>C, p.Gly233Ala (NM_001317035.1); c.548G>C, p.Gly183Ala (NM_001317036.1); short protein forms G241A, G233A, G183A, G206A.
Identifiers: ClinVar variation 2039921 (VCV002039921.3), dbSNP rs760063295, ClinGen allele CA9909034.

ClinVar aggregate classification (germline): Uncertain significance (1 of 4 stars; one submission).

Conditions:
Congenital disorder of glycosylation type 1E (CDG1E). Also called: CONGENITAL DISORDER OF GLYCOSYLATION, TYPE Ie; CDG Ie. Identifiers: Orphanet 79322, MedGen C1837396, MONDO:0012123, OMIM 608799.

Allele frequency attached by ClinVar (database versions not stated): ExAC 0.00002.
gnomAD v4.1: 56 of 1,613,512 alleles (0.0035%); highest among the groups gnomAD compares: East Asian, 0.025%; no homozygotes.

Submission:

Labcorp Genetics (formerly Invitae), Labcorp
Classification: Uncertain significance for Congenital disorder of glycosylation type 1E. Last evaluated: 2022-05-10. Review status: criteria provided, single submitter. Criteria: Invitae Variant Classification Sherloc (09022015). Collection method: clinical testing. Allele origin: germline.
Comment: In summary, the available evidence is currently insufficient to determine the role of this variant in disease. Therefore, it has been classified as a Variant of Uncertain Significance. Algorithms developed to predict the effect of missense changes on protein structure and function (SIFT, PolyPhen-2, Align-GVGD) all suggest that this variant is likely to be disruptive. This variant has not been reported in the literature in individuals affected with DPM1-related conditions. This variant is present in population databases (rs760063295, gnomAD 0.006%). This sequence change replaces glycine, which is neutral and non-polar, with alanine, which is neutral and non-polar, at codon 206 of the DPM1 protein (p.Gly206Ala).